The following is an entry in ClinVar:

ClinVar aggregate classification (germline): Pathogenic (1 of 4 stars; one submission).

Conditions:
Pheochromocytoma. Also called: MAX-Related Hereditary Paraganglioma-Pheochromocytoma Syndrome. Identifiers: Orphanet 29072, MedGen C0031511, MONDO:0008233, OMIM 171300, HP:0002666.
Gastrointestinal stromal tumor. Also called: Gastrointestinal stromal tumor, somatic; Gastrointestinal stroma tumor. Identifiers: Orphanet 44890, MedGen C0238198, MeSH D046152, MONDO:0011719, OMIM 606764, HP:0100723.
Pheochromocytoma/paraganglioma syndrome 4. Also called: CAROTID BODY TUMORS AND MULTIPLE EXTRAADRENAL PHEOCHROMOCYTOMAS; PARAGANGLIOMA, FAMILIAL MALIGNANT; PARAGANGLIOMAS, HEREDITARY EXTRAADRENAL; PHEOCHROMOCYTOMA, FAMILIAL EXTRAADRENAL; Paragangliomas 4; SDHB-Related Hereditary Paraganglioma-Pheochromocytoma Syndrome (Paragangliomas 4). Identifiers: Orphanet 29072, MedGen C1861848, MONDO:0007273, OMIM 115310.

Submission:

Labcorp Genetics (formerly Invitae), Labcorp
Classification: Pathogenic for Gastrointestinal stromal tumor; Pheochromocytoma/paraganglioma syndrome 4; Pheochromocytoma. Last evaluated: 2023-06-25. Review status: criteria provided, single submitter. Criteria: Invitae Variant Classification Sherloc (09022015). Collection method: clinical testing. Allele origin: germline.
Comment: For these reasons, this variant has been classified as Pathogenic. This variant disrupts a region of the SDHB protein in which other variant(s) (p.Ile263Serfs*13) have been determined to be pathogenic (Invitae). This suggests that this is a clinically significant region of the protein, and that variants that disrupt it are likely to be disease-causing. This variant has not been reported in the literature in individuals affected with SDHB-related conditions. This variant is not present in population databases (gnomAD no frequency). This sequence change creates a premature translational stop signal (p.Arg251Profs*6) in the SDHB gene. While this is not anticipated to result in nonsense mediated decay, it is expected to disrupt the last 30 amino acid(s) of the SDHB protein.

NM_003000.3(SDHB):c.751_754del (p.Arg251fs)

Gene: SDHB (succinate dehydrogenase complex iron sulfur subunit B; minus strand). Cytogenetic location: 1p36.13.
Variant type: Deletion.
Coding change: c.751_754del on transcript NM_003000.3 (MANE Select); coding-DNA positions 751 to 754, 4 bases deleted (AGGA; older notation c.751_754delAGGA).
Protein change: p.Arg251fs; shifts the reading frame from arginine 251.
Molecular consequence: frameshift variant.
Genome position (GRCh38, 1-based): chr1:17,022,619-17,022,622, TCCT deleted on the plus strand (AGGA on the coding strand, the reverse complement: SDHB is on the minus strand); deleting any 4 consecutive bases within chr1:17,022,619-17,022,623 gives the same sequence; the c. name uses the placement nearest the transcript's 3' end. VCF-style (leftmost placement, unchanged base first): chr1-17022618-GTCCT-G. GRCh37 (hg19) VCF-style: chr1-17349113-GTCCT-G.
Other names: c.697_700del, p.Arg233fs (NM_001407361.1); short protein forms R233fs, R251fs.
Identifiers: ClinVar variation 2949287 (VCV002949287.3), dbSNP rs2525003739, ClinGen allele CA2740090520.
Genomic context (GRCh38, chr1:17,022,618, plus strand): 5'-TCTGGCGTGTCAGCTCTGAGGCAGAGCTGAGGGTCACCAGCCCCACGTACCTTAGGACAG[GTCCT>G]TGTGCAGTTCATGATGGTGTGGCAGCGGTATAGAGAGAATGGGTCCTGCAGCTTGGCCAG-3'